The following is an entry in ClinVar:

ClinVar aggregate classification (germline): Uncertain significance. Review status: criteria provided, multiple submitters, no conflicts (2 of 4 stars). 2 submissions from 2 submitters: Uncertain significance (2). Last evaluated 2025-02-03.

Conditions:
Developmental and epileptic encephalopathy, 9 (DEE9). Also called: EPILEPSY, FEMALE-RESTRICTED, WITH MENTAL RETARDATION; Early infantile epileptic encephalopathy 9; JUBERG-HELLMAN SYNDROME; PCDH19-Related X-Linked Female-Limited Epilepsy with Mental Retardation. Identifiers: Orphanet 101039, Orphanet 2076, MedGen C1848137, MONDO:0010246, OMIM 300088. Disease mechanism: loss of function.

Allele frequency attached by ClinVar (database versions not stated): gnomAD 0.00001; TOPMed 0.00001.
gnomAD v4.1: 1 of 1,207,361 alleles (0.000083%); highest among the groups gnomAD compares: Non-Finnish European, 0.00011%; no homozygotes.

Submissions (2):

Labcorp Genetics (formerly Invitae), Labcorp
Classification: Uncertain significance for Developmental and epileptic encephalopathy, 9. Last evaluated: 2025-02-03. Review status: criteria provided, single submitter. Criteria: Invitae Variant Classification Sherloc (09022015). Collection method: clinical testing. Allele origin: germline.
Comment: This sequence change replaces valine, which is neutral and non-polar, with methionine, which is neutral and non-polar, at codon 192 of the PCDH19 protein (p.Val192Met). This variant is not present in population databases (gnomAD no frequency). This variant has not been reported in the literature in individuals affected with PCDH19-related conditions. ClinVar contains an entry for this variant (Variation ID: 1717947). Invitae Evidence Modeling of protein sequence and biophysical properties (such as structural, functional, and spatial information, amino acid conservation, physicochemical variation, residue mobility, and thermodynamic stability) indicates that this missense variant is expected to disrupt PCDH19 protein function with a positive predictive value of 80%. In summary, the available evidence is currently insufficient to determine the role of this variant in disease. Therefore, it has been classified as a Variant of Uncertain Significance.

Women's Health and Genetics/Laboratory Corporation of America, LabCorp
Classification: Uncertain significance. Last evaluated: 2024-09-24. Review status: criteria provided, single submitter. Criteria: LabCorp Variant Classification Summary - May 2015. Collection method: clinical testing. Allele origin: germline.
Comment: Variant summary: PCDH19 c.574G>A (p.Val192Met) results in a conservative amino acid change located in the Cadherin-like domain (IPR002126) of the encoded protein sequence. Three of five in-silico tools predict a damaging effect of the variant on protein function. The variant was absent in 177907 control chromosomes. The available data on variant occurrences in the general population are insufficient to allow any conclusion about variant significance. To our knowledge, no occurrence of c.574G>A in individuals affected with Developmental And Epileptic Encephalopathy, 9 and no experimental evidence demonstrating its impact on protein function have been reported. ClinVar contains an entry for this variant (Variation ID: 1717947). Based on the evidence outlined above, the variant was classified as uncertain significance.

NM_001184880.2(PCDH19):c.574G>A (p.Val192Met)

Gene: PCDH19 (protocadherin 19; minus strand). Cytogenetic location: Xq22.1.
Variant type: single nucleotide variant.
Coding change: c.574G>A on transcript NM_001184880.2 (MANE Select); coding-DNA position 574, G replaced by A.
Protein change: p.Val192Met; replaces valine 192 with methionine.
Molecular consequence: missense variant.
Genome position (GRCh38, 1-based): chrX:100,408,024, C>T on the plus strand (G>A on the coding strand, the complement: PCDH19 is on the minus strand). VCF-style: chrX-100408024-C-T. GRCh37 (hg19) VCF-style: chrX-99663022-C-T.
Other names: c.574G>A, p.Val192Met (NM_001105243.2, NM_020766.3); short protein forms V192M.
Identifiers: ClinVar variation 1717947 (VCV001717947.7), dbSNP rs1396965886, ClinGen allele CA414009244.